The following is an entry in ClinVar:

ClinVar aggregate classification (germline): Likely benign (1 of 4 stars; one submission).

Allele frequency attached by ClinVar (database versions not stated): gnomAD 0.01453 and 0.01543; 1000 Genomes Project 0.03534.
gnomAD v4.1: 2,022 of 140,748 alleles (1.4%); highest among the groups gnomAD compares: African/African-American, 5.4%; 113 homozygotes.

Submission:

GeneDx
Classification: Likely benign. Last evaluated: 2018-06-19. Review status: criteria provided, single submitter. Criteria: GeneDx Variant Classification (06012015). Collection method: clinical testing. Allele origin: germline. Affected: yes.
Comment: This variant is considered likely benign or benign based on one or more of the following criteria: it is a conservative change, it occurs at a poorly conserved position in the protein, it is predicted to be benign by multiple in silico algorithms, and/or has population frequency not consistent with disease.

NM_000363.5(TNNI3):c.283-221C>G

Gene: TNNI3 (troponin I3, cardiac type; minus strand). Cytogenetic location: 19q13.42.
Variant type: single nucleotide variant.
Coding change: c.283-221C>G on transcript NM_000363.5 (MANE Select); 221 bases into the intron before coding-DNA position 283, C replaced by G.
Molecular consequence: intron variant.
Genome position (GRCh38, 1-based): chr19:55,155,051, G>C on the plus strand (C>G on the coding strand, the complement: TNNI3 is on the minus strand). VCF-style: chr19-55155051-G-C. GRCh37 (hg19) VCF-style: chr19-55666419-G-C.
Identifiers: ClinVar variation 678665 (VCV000678665.1), dbSNP rs140633085, ClinGen allele CA310148984.